The following is an entry in ClinVar:

ClinVar aggregate classification (germline): Likely benign. Review status: criteria provided, single submitter (1 of 4 stars). 2 submissions from 2 submitters: Likely benign (1). 1 of the submissions does not count toward it. Last evaluated 2024-11-25.

Conditions:
GLS-related disorder. Also called: GLS-related condition.

Submissions (2):

Blueprint Genetics
Classification: Likely benign. Last evaluated: 2024-11-25. Review status: criteria provided, single submitter. Criteria: ACMG Guidelines, 2015. Collection method: clinical testing. Allele origin: germline.

PreventionGenetics, part of Exact Sciences
Classification: Likely benign for GLS-related condition. Last evaluated: 2019-07-16. Review status: no assertion criteria provided. Collection method: clinical testing. Allele origin: germline. Not counted in ClinVar's aggregate classification.
Comment: This variant is classified as likely benign based on ACMG/AMP sequence variant interpretation guidelines (Richards et al. 2015 PMID: 25741868, with internal and published modifications).

NM_014905.5(GLS):c.1039-5dup

Gene: GLS (glutaminase; plus strand). Cytogenetic location: 2q32.2.
Variant type: Duplication.
Coding change: c.1039-5dup on transcript NM_014905.5 (MANE Select); 5 bases into the intron before coding-DNA position 1039, one base duplicated (T; older notation c.1039-5dupT).
Molecular consequence: intron variant.
Genome position (GRCh38, 1-based): chr2:190,921,019, T duplicated; the last of 7 consecutive T bases (chr2:190,921,013-190,921,019); duplicating any one gives the same sequence. VCF-style (leftmost placement, unchanged base first): chr2-190921012-A-AT. GRCh37 (hg19) VCF-style: chr2-191785738-A-AT.
Other names: c.1039-5dup (NM_001256310.2).
Identifiers: ClinVar variation 3049930 (VCV003049930.3), dbSNP rs551820424, ClinGen allele CA2029395.